The following is an entry in ClinVar:

ClinVar aggregate classification (germline): Uncertain significance. Review status: criteria provided, multiple submitters, no conflicts (2 of 4 stars). 2 submissions from 2 submitters: Uncertain significance (2). Last evaluated 2022-02-14.

Conditions:
Inborn genetic diseases. Identifiers: MedGen C0950123, MeSH D030342.
Brachyolmia-amelogenesis imperfecta syndrome. Also called: Tooth agenesis, selective, 6; Dental anomalies and short stature; PLATYSPONDYLY WITH AMELOGENESIS IMPERFECTA. Identifiers: Orphanet 2899, MedGen C1832594, MONDO:0011018, OMIM 601216. Disease mechanism: loss of function.

Allele frequency attached by ClinVar (database versions not stated): TOPMed below 0.00001; gnomAD exomes 0.00001.
gnomAD v4.1: 8 of 1,530,336 alleles (0.00052%); highest among the groups gnomAD compares: Non-Finnish European, 0.0007%; no homozygotes.

Submissions (2):

Ambry Genetics
Classification: Uncertain significance for Inborn genetic diseases. Last evaluated: 2022-02-14. Review status: criteria provided, single submitter. Criteria: Ambry Variant Classification Scheme 2023. Collection method: clinical testing. Allele origin: germline.
Comment: The p.A1149T variant (also known as c.3445G>A), located in coding exon 25 of the LTBP3 gene, results from a G to A substitution at nucleotide position 3445. The alanine at codon 1149 is replaced by threonine, an amino acid with similar properties. This amino acid position is conserved. In addition, this alteration is predicted to be tolerated by in silico analysis. Since supporting evidence is limited at this time, the clinical significance of this alteration remains unclear.

Labcorp Genetics (formerly Invitae), Labcorp
Classification: Uncertain significance for Brachyolmia-amelogenesis imperfecta syndrome. Last evaluated: 2021-01-27. Review status: criteria provided, single submitter. Criteria: Invitae Variant Classification Sherloc (09022015). Collection method: clinical testing. Allele origin: germline.
Comment: Algorithms developed to predict the effect of missense changes on protein structure and function are either unavailable or do not agree on the potential impact of this missense change (SIFT: "Deleterious"; PolyPhen-2: "Benign"; Align-GVGD: "Class C0"). In summary, the available evidence is currently insufficient to determine the role of this variant in disease. Therefore, it has been classified as a Variant of Uncertain Significance. This variant has not been reported in the literature in individuals with LTBP3-related conditions. The frequency data for this variant in the population databases is considered unreliable, as metrics indicate insufficient coverage at this position in the ExAC database. This sequence change replaces alanine with threonine at codon 1149 of the LTBP3 protein (p.Ala1149Thr). The alanine residue is moderately conserved and there is a small physicochemical difference between alanine and threonine.

NM_001130144.3(LTBP3):c.3445G>A (p.Ala1149Thr)

Gene: LTBP3 (latent transforming growth factor beta binding protein 3; minus strand). Cytogenetic location: 11q13.1.
Variant type: single nucleotide variant.
Coding change: c.3445G>A on transcript NM_001130144.3 (MANE Select); coding-DNA position 3445, G replaced by A.
Protein change: p.Ala1149Thr; replaces alanine 1149 with threonine.
Molecular consequence: missense variant.
Genome position (GRCh38, 1-based): chr11:65,539,822, C>T on the plus strand (G>A on the coding strand, the complement: LTBP3 is on the minus strand). VCF-style: chr11-65539822-C-T. GRCh37 (hg19) VCF-style: chr11-65307293-C-T.
Other names: c.2953G>A, p.Ala985Thr (NM_001164266.1); c.3304G>A, p.Ala1102Thr (NM_021070.4); short protein forms A1102T, A1149T, A985T.
Identifiers: ClinVar variation 1360610 (VCV001360610.10), dbSNP rs1375139471, ClinGen allele CA381266862.